The following is an entry in ClinVar:

ClinVar aggregate classification (germline): Uncertain significance (1 of 4 stars; one submission).

Conditions:
Neurofibromatosis, type 1 (NF1). Also called: VON RECKLINGHAUSEN DISEASE; Neurofibromatosis, type I; NEUROFIBROMATOSIS, TYPE I, SOMATIC; Peripheral type neurofibromatosis. Identifiers: Orphanet 636, MedGen C0027831, MONDO:0018975, OMIM 162200. Disease mechanism: loss of function.

Submission:

Labcorp Genetics (formerly Invitae), Labcorp
Classification: Uncertain significance for Neurofibromatosis, type 1. Last evaluated: 2022-08-16. Review status: criteria provided, single submitter. Criteria: Invitae Variant Classification Sherloc (09022015). Collection method: clinical testing. Allele origin: germline.
Comment: In summary, the available evidence is currently insufficient to determine the role of this variant in disease. Therefore, it has been classified as a Variant of Uncertain Significance. Experimental studies and prediction algorithms are not available or were not evaluated, and the functional significance of this variant is currently unknown. ClinVar contains an entry for this variant (Variation ID: 1017808). This variant has not been reported in the literature in individuals affected with NF1-related conditions. This variant is not present in population databases (gnomAD no frequency). This variant, c.7782_7784del, results in the deletion of two and insertion of one amino acid(s) of the NF1 protein (p.Ile2594_Gln2595delinsMet), but otherwise preserves the integrity of the reading frame.

NM_001042492.3(NF1):c.7845_7847del (p.Ile2615_Gln2616delinsMet)

Gene: NF1 (neurofibromin 1; plus strand). Cytogenetic location: 17q11.2.
Variant type: Deletion.
Coding change: c.7845_7847del on transcript NM_001042492.3 (MANE Select); coding-DNA positions 7845 to 7847, 3 bases deleted (CCA; older notation c.7845_7847delCCA).
Protein change: p.Ile2615_Gln2616delinsMet.
Molecular consequence: inframe indel.
Genome position (GRCh38, 1-based): chr17:31,357,066-31,357,068, CCA deleted. VCF-style (leftmost placement, unchanged base first): chr17-31357065-TCCA-T. GRCh37 (hg19) VCF-style: chr17-29684083-TCCA-T.
Other names: c.7782_7784delCCA, p.Ile2594_Gln2595delinsMet (NM_000267.4).
Identifiers: ClinVar variation 1017808 (VCV001017808.5), dbSNP rs2070290251, ClinGen allele CA2255614529.